The following is an entry in ClinVar:

NM_006767.4(LZTR1):c.746C>A (p.Ala249Asp)

Gene: LZTR1 (leucine zipper like post translational regulator 1; plus strand). Cytogenetic location: 22q11.21.
Variant type: single nucleotide variant.
Coding change: c.746C>A on transcript NM_006767.4 (MANE Select); coding-DNA position 746, C replaced by A.
Protein change: p.Ala249Asp; replaces alanine 249 with aspartic acid.
Molecular consequence: missense variant.
Genome position (GRCh38, 1-based): chr22:20,990,480, C>A. VCF-style: chr22-20990480-C-A. GRCh37 (hg19) VCF-style: chr22-21344769-C-A.
Other names: short protein forms A249D.
Identifiers: ClinVar variation 3541705 (VCV003541705.1).

ClinVar aggregate classification (germline): Uncertain significance (1 of 4 stars; one submission).

Conditions:
Hereditary cancer-predisposing syndrome. Also called: Hereditary Cancer Syndrome; Hereditary neoplastic syndrome; Tumor predisposition; Neoplastic Syndromes, Hereditary. Identifiers: Orphanet 140162, MedGen C0027672, MeSH D009386, MONDO:0015356.
Cardiovascular phenotype. Identifiers: MedGen CN230736.

Submission:

Ambry Genetics
Classification: Uncertain significance for Cardiovascular phenotype; Hereditary cancer-predisposing syndrome. Last evaluated: 2024-11-16. Review status: criteria provided, single submitter. Criteria: Ambry Variant Classification Scheme 2023. Collection method: clinical testing. Allele origin: germline.
Comment: The p.A249D variant (also known as c.746C>A), located in coding exon 8 of the LZTR1 gene, results from a C to A substitution at nucleotide position 746. The alanine at codon 249 is replaced by aspartic acid, an amino acid with dissimilar properties. This amino acid position is conserved. In addition, this alteration is predicted to be deleterious by in silico analysis. Based on the available evidence, the clinical significance of this variant remains unclear.